The following is an entry in ClinVar:

NM_001852.4(COL9A2):c.1780A>T (p.Thr594Ser)

Gene: COL9A2 (collagen type IX alpha 2 chain; minus strand). Cytogenetic location: 1p34.2.
Variant type: single nucleotide variant.
Coding change: c.1780A>T on transcript NM_001852.4 (MANE Select); coding-DNA position 1780, A replaced by T.
Protein change: p.Thr594Ser; replaces threonine 594 with serine.
Molecular consequence: missense variant.
Genome position (GRCh38, 1-based): chr1:40,302,633, T>A on the plus strand (A>T on the coding strand, the complement: COL9A2 is on the minus strand). VCF-style: chr1-40302633-T-A. GRCh37 (hg19) VCF-style: chr1-40768305-T-A.
Other names: short protein forms T594S.
Identifiers: ClinVar variation 1387921 (VCV001387921.6), dbSNP rs1156411055, ClinGen allele CA339875824.

ClinVar aggregate classification (germline): Uncertain significance (1 of 4 stars; one submission).

Allele frequency attached by ClinVar (database versions not stated): gnomAD exomes 0.00001.
gnomAD v4.1: 3 of 1,601,694 alleles (0.00019%); highest among the groups gnomAD compares: Admixed American, 0.0051%; no homozygotes.

Submission:

Labcorp Genetics (formerly Invitae), Labcorp
Classification: Uncertain significance. Last evaluated: 2022-08-16. Review status: criteria provided, single submitter. Criteria: Invitae Variant Classification Sherloc (09022015). Collection method: clinical testing. Allele origin: germline.
Comment: This sequence change replaces threonine, which is neutral and polar, with serine, which is neutral and polar, at codon 594 of the COL9A2 protein (p.Thr594Ser). In summary, the available evidence is currently insufficient to determine the role of this variant in disease. Therefore, it has been classified as a Variant of Uncertain Significance. Advanced modeling of protein sequence and biophysical properties (such as structural, functional, and spatial information, amino acid conservation, physicochemical variation, residue mobility, and thermodynamic stability) performed at Invitae indicates that this missense variant is not expected to disrupt COL9A2 protein function. ClinVar contains an entry for this variant (Variation ID: 1387921). This variant has not been reported in the literature in individuals affected with COL9A2-related conditions. This variant is present in population databases (no rsID available, gnomAD 0.009%).